The following is an entry in ClinVar:

ClinVar aggregate classification (germline): Conflicting classifications of pathogenicity. Review status: criteria provided, conflicting classifications (1 of 4 stars). 3 submissions from 3 submitters: Uncertain significance (2); Likely benign (1). Last evaluated 2025-05-14.

Conditions:
Developmental and epileptic encephalopathy 94 (DEE94). Also called: CHD2-Related Neurodevelopmental Disorders; Epileptic encephalopathy, childhood-onset. Identifiers: Orphanet 1942, Orphanet 2382, MedGen C3809278, MONDO:0014150, OMIM 615369.

Allele frequency attached by ClinVar (database versions not stated): gnomAD 0.00001; gnomAD exomes 0.00001; TOPMed 0.00001.

Submissions (3):

Revvity Omics, Revvity
Classification: Uncertain significance for Developmental and epileptic encephalopathy 94. Last evaluated: 2025-05-14. Review status: criteria provided, single submitter. Criteria: ACMG Guidelines, 2015. Collection method: clinical testing. Allele origin: germline.

Labcorp Genetics (formerly Invitae), Labcorp
Classification: Uncertain significance for Developmental and epileptic encephalopathy 94. Last evaluated: 2023-12-21. Review status: criteria provided, single submitter. Criteria: Invitae Variant Classification Sherloc (09022015). Collection method: clinical testing. Allele origin: germline.
Comment: This sequence change replaces methionine, which is neutral and non-polar, with valine, which is neutral and non-polar, at codon 1388 of the CHD2 protein (p.Met1388Val). This variant is present in population databases (no rsID available, gnomAD 0.002%). This variant has not been reported in the literature in individuals affected with CHD2-related conditions. ClinVar contains an entry for this variant (Variation ID: 2439974). Advanced modeling of protein sequence and biophysical properties (such as structural, functional, and spatial information, amino acid conservation, physicochemical variation, residue mobility, and thermodynamic stability) performed at Invitae indicates that this missense variant is not expected to disrupt CHD2 protein function with a negative predictive value of 95%. In summary, the available evidence is currently insufficient to determine the role of this variant in disease. Therefore, it has been classified as a Variant of Uncertain Significance.

CeGaT Center for Human Genetics Tuebingen
Classification: Likely benign. Last evaluated: 2023-01-01. Review status: criteria provided, single submitter. Criteria: CeGaT Center For Human Genetics Tuebingen Variant Classification Criteria Version 2. Collection method: clinical testing. Allele origin: germline. Affected: yes. Observed: 2 variant alleles.
Comment: CHD2: BP4, BS2

NM_001271.4(CHD2):c.4162A>G (p.Met1388Val)

Gene: CHD2 (chromodomain helicase DNA binding protein 2; plus strand). Cytogenetic location: 15q26.1.
Variant type: single nucleotide variant.
Coding change: c.4162A>G on transcript NM_001271.4 (MANE Select); coding-DNA position 4162, A replaced by G.
Protein change: p.Met1388Val; replaces methionine 1388 with valine.
Molecular consequence: missense variant.
Genome position (GRCh38, 1-based): chr15:93,002,201, A>G. VCF-style: chr15-93002201-A-G. GRCh37 (hg19) VCF-style: chr15-93545431-A-G.
Other names: short protein forms M1388V.
Identifiers: ClinVar variation 2439974 (VCV002439974.30), dbSNP rs909410576, ClinGen allele CA274875246.